The following is an entry in ClinVar:

ClinVar aggregate classification (germline): Pathogenic. Review status: criteria provided, multiple submitters, no conflicts (2 of 4 stars). 2 submissions from 2 submitters: Pathogenic (2). Last evaluated 2026-06-01.

Conditions:
Inborn genetic diseases. Identifiers: MedGen C0950123, MeSH D030342.

Submissions (2):

Ambry Genetics
Classification: Pathogenic for Inborn genetic diseases. Last evaluated: 2026-06-01. Review status: criteria provided, single submitter. Criteria: Ambry Variant Classification Scheme 2023. Collection method: clinical testing. Allele origin: germline.
Comment: The c.158G>A (p.W53*) alteration, located in exon 5 (coding exon 3) of the ADAMTSL4 gene, consists of a G to A substitution at nucleotide position 158. This changes the amino acid from a tryptophan (W) to a stop codon at amino acid position 53. This variant is expected to result in loss of function by premature protein truncation or nonsense-mediated mRNA decay. This variant was not reported in population-based cohorts in the Genome Aggregation Database (gnomAD). Based on the available evidence, this alteration is classified as pathogenic.

Labcorp Genetics (formerly Invitae), Labcorp
Classification: Pathogenic. Last evaluated: 2025-06-29. Review status: criteria provided, single submitter. Criteria: Invitae Variant Classification Sherloc (09022015). Collection method: clinical testing. Allele origin: germline.
Comment: This sequence change creates a premature translational stop signal (p.Trp53*) in the ADAMTSL4 gene. It is expected to result in an absent or disrupted protein product. Loss-of-function variants in ADAMTSL4 are known to be pathogenic (PMID: 20564469, 28642162). This variant is not present in population databases (gnomAD no frequency). This variant has not been reported in the literature in individuals affected with ADAMTSL4-related conditions. For these reasons, this variant has been classified as Pathogenic.

Literature cited by the submitters: PubMed 20564469 (cited by Labcorp Genetics (formerly Invitae), Labcorp); PubMed 28642162 (cited by Labcorp Genetics (formerly Invitae), Labcorp).

NM_019032.6(ADAMTSL4):c.158G>A (p.Trp53Ter)

Genes: ADAMTSL4 (ADAMTS like 4; plus strand), ADAMTSL4-AS2 (ADAMTSL4 antisense RNA 2; minus strand). Cytogenetic location: 1q21.2.
Variant type: single nucleotide variant.
Coding change: c.158G>A on transcript NM_019032.6 (MANE Select); coding-DNA position 158, G replaced by A.
Protein change: p.Trp53Ter; replaces tryptophan 53 with a stop codon.
Molecular consequence: nonsense.
Genome position (GRCh38, 1-based): chr1:150,552,977, G>A. VCF-style: chr1-150552977-G-A. GRCh37 (hg19) VCF-style: chr1-150525453-G-A.
Other names: c.158G>A (NM_019032.4); c.158G>A, p.Trp53Ter (NM_001288607.2, NM_001288608.2, NM_001378596.1 and 1 more transcripts); short protein forms W53*.
Identifiers: ClinVar variation 4701521 (VCV004701521.2).